The following is an entry in ClinVar:

ClinVar aggregate classification (germline): Uncertain significance. Review status: criteria provided, multiple submitters, no conflicts (2 of 4 stars). 2 submissions from 2 submitters: Uncertain significance (2). Last evaluated 2025-03-07.

Conditions:
Charcot-Marie-Tooth disease type 4. Also called: Charcot-Marie-Tooth, Type 4; Charcot-Marie-Tooth disease, type IV. Identifiers: Orphanet 64749, MedGen C4082197, MONDO:0018995.
Inborn genetic diseases. Identifiers: MedGen C0950123, MeSH D030342.

Allele frequency attached by ClinVar (database versions not stated): gnomAD exomes below 0.00001 and 0.00001; gnomAD 0.00002 and 0.00003; TOPMed 0.00006.
gnomAD v4.1: 7 of 1,613,872 alleles (0.00043%); highest among the groups gnomAD compares: Admixed American, 0.005%; no homozygotes.

Submissions (2):

Ambry Genetics
Classification: Uncertain significance for Inborn genetic diseases. Last evaluated: 2025-03-07. Review status: criteria provided, single submitter. Criteria: Ambry Variant Classification Scheme 2023. Collection method: clinical testing. Allele origin: germline.

Labcorp Genetics (formerly Invitae), Labcorp
Classification: Uncertain significance for Charcot-Marie-Tooth disease type 4. Last evaluated: 2021-07-09. Review status: criteria provided, single submitter. Criteria: Invitae Variant Classification Sherloc (09022015). Collection method: clinical testing. Allele origin: germline.
Comment: Algorithms developed to predict the effect of sequence changes on RNA splicing suggest that this variant may create or strengthen a splice site. In summary, the available evidence is currently insufficient to determine the role of this variant in disease. Therefore, it has been classified as a Variant of Uncertain Significance. Algorithms developed to predict the effect of missense changes on protein structure and function (SIFT, PolyPhen-2, Align-GVGD) all suggest that this variant is likely to be tolerated. This sequence change replaces asparagine with serine at codon 1178 of the SBF2 protein (p.Asn1178Ser). The asparagine residue is moderately conserved and there is a small physicochemical difference between asparagine and serine. This variant is not present in population databases (ExAC no frequency). This variant has not been reported in the literature in individuals affected with SBF2-related conditions.

NM_030962.4(SBF2):c.3533A>G (p.Asn1178Ser)

Gene: SBF2 (SET binding factor 2; minus strand). Cytogenetic location: 11p15.4.
Variant type: single nucleotide variant.
Coding change: c.3533A>G on transcript NM_030962.4 (MANE Select); coding-DNA position 3533, A replaced by G.
Protein change: p.Asn1178Ser; replaces asparagine 1178 with serine.
Molecular consequence: missense variant.
Genome position (GRCh38, 1-based): chr11:9,832,343, T>C on the plus strand (A>G on the coding strand, the complement: SBF2 is on the minus strand). VCF-style: chr11-9832343-T-C. GRCh37 (hg19) VCF-style: chr11-9853890-T-C.
Other names: c.3533A>G, p.Asn1178Ser (NM_001386339.1); c.3404A>G, p.Asn1135Ser (NM_001386342.1); c.3533A>G (NM_030962.3); short protein forms N1135S, N1178S.
Identifiers: ClinVar variation 1398254 (VCV001398254.10), dbSNP rs1310790545, ClinGen allele CA379645694.
Genomic context (GRCh38, chr11:9,832,343, plus strand): 5'-CCAGATCGGAGGAGCAGAGTACCACTTCTTGAGTTCTTCCAACATACAACAGGCAGGCGA[T>C]TGTGTCGATAGCAGCGAGCTACTCTTGGTAAACTACTGTCCTGTACAGCTTGAGGTACGA-3'
Protein context (NP_112224.1, residues 1168-1188): LPRVARCYRH[Asn1178Ser]RLPVVCWKNS